The following is an entry in ClinVar:

ClinVar aggregate classification (germline): Uncertain significance. Review status: criteria provided, multiple submitters, no conflicts (2 of 4 stars). 2 submissions from 2 submitters: Uncertain significance (2). Last evaluated 2025-03-12.

Conditions:
MET-related disorder. Also called: MET-related condition.
Renal cell carcinoma. Identifiers: Orphanet 217071, MedGen C0007134, MeSH D002292, MONDO:0005086, HP:0005584.

Submissions (2):

PreventionGenetics, part of Exact Sciences
Classification: Uncertain significance for MET-related condition. Last evaluated: 2025-03-12. Review status: criteria provided, single submitter. Criteria: ACMG Guidelines, 2015. Collection method: clinical testing. Allele origin: germline.
Comment: The MET c.2975_3000del26 variant is predicted to result in a frameshift and premature protein termination (p.Arg992Thrfs*17). On an alternate transcript (NM_000245) this variant is referred to as c.2921_2946del26 (p.Arg974Thrfs*17). To our knowledge, this variant has not been reported in the literature or in a large population database (gnomAD), indicating this variant is rare. This variant is reported as a variant of uncertain significance in ClinVar. Loss of function is not an established mechanism of MET-related disease. At this time, the clinical significance of this variant is uncertain due to the absence of conclusive functional and genetic evidence.

Labcorp Genetics (formerly Invitae), Labcorp
Classification: Uncertain significance for Renal cell carcinoma. Last evaluated: 2023-01-06. Review status: criteria provided, single submitter. Criteria: Invitae Variant Classification Sherloc (09022015). Collection method: clinical testing. Allele origin: germline.
Comment: In summary, the available evidence is currently insufficient to determine the role of this variant in disease. Therefore, it has been classified as a Variant of Uncertain Significance. This variant has not been reported in the literature in individuals affected with MET-related conditions. This variant is not present in population databases (gnomAD no frequency). This sequence change creates a premature translational stop signal (p.Arg992Thrfs*17) in the MET gene. It is expected to result in an absent or disrupted protein product. However, the current clinical and genetic evidence is not sufficient to establish whether loss-of-function variants in MET cause disease.

NM_000245.4(MET):c.2921_2946del (p.Arg974fs)

Gene: MET (MET proto-oncogene, receptor tyrosine kinase; plus strand). Cytogenetic location: 7q31.2.
Variant type: Deletion.
Coding change: c.2921_2946del on transcript NM_000245.4 (MANE Select); coding-DNA positions 2921 to 2946, 26 bases deleted (GAGTACACACTCCTCATTTGGATAGG).
Protein change: p.Arg974fs; shifts the reading frame from arginine 974.
Molecular consequence: frameshift variant.
Genome position (GRCh38, 1-based): chr7:116,771,882-116,771,907, GAGTACACACTCCTCATTTGGATAGG deleted. VCF-style (leftmost placement, unchanged base first): chr7-116771881-AGAGTACACACTCCTCATTTGGATAGG-A. GRCh37 (hg19) VCF-style: chr7-116411935-AGAGTACACACTCCTCATTTGGATAGG-A.
Other names: c.2975_3000del26 (NM_001127500.2); c.2975_3000del, p.Arg992fs (NM_001127500.3); c.1631_1656del, p.Arg544fs (NM_001324402.2); short protein forms R544fs, R974fs, R992fs.
Identifiers: ClinVar variation 3016612 (VCV003016612.4), dbSNP rs2485778776, ClinGen allele CA2740097509.